The following is an entry in ClinVar:

NM_004793.4(LONP1):c.2830G>C (p.Asp944His)

Gene: LONP1 (lon peptidase 1, mitochondrial; minus strand). Cytogenetic location: 19p13.3.
Variant type: single nucleotide variant.
Coding change: c.2830G>C on transcript NM_004793.4 (MANE Select); coding-DNA position 2830, G replaced by C.
Protein change: p.Asp944His; replaces aspartic acid 944 with histidine.
Molecular consequence: missense variant. On other transcripts: non-coding transcript variant (1).
Genome position (GRCh38, 1-based): chr19:5,692,082, C>G on the plus strand (G>C on the coding strand, the complement: LONP1 is on the minus strand). VCF-style: chr19-5692082-C-G. GRCh37 (hg19) VCF-style: chr19-5692093-C-G.
Other names: c.2638G>C, p.Asp880His (NM_001276479.2); c.2242G>C, p.Asp748His (NM_001276480.1); short protein forms D880H, D748H, D944H.
Identifiers: ClinVar variation 1356987 (VCV001356987.8), dbSNP rs138631909, ClinGen allele CA9113940.

ClinVar aggregate classification (germline): Uncertain significance (1 of 4 stars; one submission).

Allele frequency attached by ClinVar (database versions not stated): gnomAD 0.00002.
gnomAD v4.1: 12 of 1,613,944 alleles (0.00074%); highest among the groups gnomAD compares: Admixed American, 0.0017%; no homozygotes.

Submission:

Labcorp Genetics (formerly Invitae), Labcorp
Classification: Uncertain significance. Last evaluated: 2023-04-09. Review status: criteria provided, single submitter. Criteria: Invitae Variant Classification Sherloc (09022015). Collection method: clinical testing. Allele origin: germline.
Comment: This variant is present in population databases (rs138631909, gnomAD 0.005%). This sequence change replaces aspartic acid, which is acidic and polar, with histidine, which is basic and polar, at codon 944 of the LONP1 protein (p.Asp944His). This variant has not been reported in the literature in individuals affected with LONP1-related conditions. In summary, the available evidence is currently insufficient to determine the role of this variant in disease. Therefore, it has been classified as a Variant of Uncertain Significance. Advanced modeling of protein sequence and biophysical properties (such as structural, functional, and spatial information, amino acid conservation, physicochemical variation, residue mobility, and thermodynamic stability) performed at Invitae indicates that this missense variant is not expected to disrupt LONP1 protein function. ClinVar contains an entry for this variant (Variation ID: 1356987).